The following is an entry in ClinVar:

ClinVar aggregate classification (germline): Uncertain significance (1 of 4 stars; one submission).

Allele frequency attached by ClinVar (database versions not stated): gnomAD exomes below 0.00001.
gnomAD v4.1: 1 of 1,614,032 alleles (0.000062%); highest among the groups gnomAD compares: Non-Finnish European, 0.000085%; no homozygotes.

Submission:

Labcorp Genetics (formerly Invitae), Labcorp
Classification: Uncertain significance. Last evaluated: 2022-07-12. Review status: criteria provided, single submitter. Criteria: Invitae Variant Classification Sherloc (09022015). Collection method: clinical testing. Allele origin: germline.
Comment: Algorithms developed to predict the effect of missense changes on protein structure and function are either unavailable or do not agree on the potential impact of this missense change (SIFT: "Deleterious"; PolyPhen-2: "Possibly Damaging"; Align-GVGD: "Class C0"). This sequence change replaces asparagine, which is neutral and polar, with aspartic acid, which is acidic and polar, at codon 1364 of the KIAA1549 protein (p.Asn1364Asp). This variant is not present in population databases (gnomAD no frequency). This variant has not been reported in the literature in individuals affected with KIAA1549-related conditions. ClinVar contains an entry for this variant (Variation ID: 1475457). In summary, the available evidence is currently insufficient to determine the role of this variant in disease. Therefore, it has been classified as a Variant of Uncertain Significance.

NM_001164665.2(KIAA1549):c.4090A>G (p.Asn1364Asp)

Gene: KIAA1549 (KIAA1549; minus strand). Cytogenetic location: 7q34.
Variant type: single nucleotide variant.
Coding change: c.4090A>G on transcript NM_001164665.2 (MANE Select); coding-DNA position 4090, A replaced by G.
Protein change: p.Asn1364Asp; replaces asparagine 1364 with aspartic acid.
Molecular consequence: missense variant.
Genome position (GRCh38, 1-based): chr7:138,881,527, T>C on the plus strand (A>G on the coding strand, the complement: KIAA1549 is on the minus strand). VCF-style: chr7-138881527-T-C. GRCh37 (hg19) VCF-style: chr7-138566273-T-C.
Other names: c.4090A>G, p.Asn1364Asp (NM_020910.3); short protein forms N1364D.
Identifiers: ClinVar variation 1475457 (VCV001475457.6), dbSNP rs2130407111, ClinGen allele CA369377623.